The following is an entry in ClinVar:

NM_203446.3(SYNJ1):c.295A>G (p.Thr99Ala)

Gene: SYNJ1 (synaptojanin 1; minus strand). Cytogenetic location: 21q22.11.
Variant type: single nucleotide variant.
Coding change: c.295A>G on transcript NM_203446.3 (MANE Select); coding-DNA position 295, A replaced by G.
Protein change: p.Thr99Ala; replaces threonine 99 with alanine.
Molecular consequence: missense variant.
Genome position (GRCh38, 1-based): chr21:32,700,022, T>C on the plus strand (A>G on the coding strand, the complement: SYNJ1 is on the minus strand). VCF-style: chr21-32700022-T-C. GRCh37 (hg19) VCF-style: chr21-34072332-T-C.
Other names: c.295A>G, p.Thr99Ala (NM_001160302.2, NM_001160306.2); c.412A>G, p.Thr138Ala (NM_003895.4); short protein forms T99A, T138A.
Identifiers: ClinVar variation 1425480 (VCV001425480.6), dbSNP rs1225677302, ClinGen allele CA410101823.

ClinVar aggregate classification (germline): Uncertain significance (1 of 4 stars; one submission).

Conditions:
Developmental and epileptic encephalopathy, 53. Also called: Epileptic encephalopathy, early infantile, 53. Identifiers: MedGen C4479313, MONDO:0033362, OMIM 617389.
Early-onset Parkinson disease 20. Also called: PARKINSON DISEASE 20, AUTOSOMAL RECESSIVE EARLY-ONSET. Identifiers: Orphanet 391411, MedGen C3809824, MONDO:0014233, OMIM 615530.

Allele frequency attached by ClinVar (database versions not stated): gnomAD exomes below 0.00001 and 0.00001; TOPMed below 0.00001.
gnomAD v4.1: 6 of 1,614,162 alleles (0.00037%); highest among the groups gnomAD compares: South Asian, 0.0011%; no homozygotes.

Submission:

Labcorp Genetics (formerly Invitae), Labcorp
Classification: Uncertain significance for Developmental and epileptic encephalopathy, 53; Early-onset Parkinson disease 20. Last evaluated: 2020-11-24. Review status: criteria provided, single submitter. Criteria: Invitae Variant Classification Sherloc (09022015). Collection method: clinical testing. Allele origin: germline.
Comment: This variant has not been reported in the literature in individuals with SYNJ1-related conditions. This variant is not present in population databases (ExAC no frequency). This sequence change replaces threonine with alanine at codon 138 of the SYNJ1 protein (p.Thr138Ala). The threonine residue is highly conserved and there is a small physicochemical difference between threonine and alanine. Algorithms developed to predict the effect of missense changes on protein structure and function are either unavailable or do not agree on the potential impact of this missense change (SIFT: "Tolerated"; PolyPhen-2: "Possibly Damaging"; Align-GVGD: "Class C0"). In summary, the available evidence is currently insufficient to determine the role of this variant in disease. Therefore, it has been classified as a Variant of Uncertain Significance.